The following is an entry in ClinVar:

ClinVar aggregate classification (germline): Uncertain significance (1 of 4 stars; one submission).

Conditions:
MED13L-related disorder. Also called: MED13L-related condition.

Submission:

PreventionGenetics, part of Exact Sciences
Classification: Uncertain significance for MED13L-related condition. Last evaluated: 2023-02-27. Review status: criteria provided, single submitter. Criteria: ACMG Guidelines, 2015. Collection method: clinical testing. Allele origin: germline.
Comment: The MED13L c.4379T>C variant is predicted to result in the amino acid substitution p.Leu1460Pro. To our knowledge, this variant has not been reported in the literature or in a large population database, indicating this variant is rare. At this time, the clinical significance of this variant is uncertain due to the absence of conclusive functional and genetic evidence.

NM_015335.5(MED13L):c.4379T>C (p.Leu1460Pro)

Gene: MED13L (mediator complex subunit 13L; minus strand). Cytogenetic location: 12q24.21.
Variant type: single nucleotide variant.
Coding change: c.4379T>C on transcript NM_015335.5 (MANE Select); coding-DNA position 4379, T replaced by C.
Protein change: p.Leu1460Pro; replaces leucine 1460 with proline.
Molecular consequence: missense variant.
Genome position (GRCh38, 1-based): chr12:115,984,332, A>G on the plus strand (T>C on the coding strand, the complement: MED13L is on the minus strand). VCF-style: chr12-115984332-A-G. GRCh37 (hg19) VCF-style: chr12-116422137-A-G.
Other names: short protein forms L1460P.
Identifiers: ClinVar variation 2634411 (VCV002634411.1), dbSNP rs2499831622, ClinGen allele CA386883768.